The following is an entry in ClinVar:

ClinVar aggregate classification (germline): Uncertain significance (1 of 4 stars; one submission).

Conditions:
CFAP418-related disorder. Also called: CFAP418-related condition.

gnomAD v4.1: 14 of 1,609,738 alleles (0.00087%); highest among the groups gnomAD compares: Non-Finnish European, 0.0012%; no homozygotes.

Submission:

PreventionGenetics, part of Exact Sciences
Classification: Uncertain significance for CFAP418-related condition. Last evaluated: 2025-11-13. Review status: criteria provided, single submitter. Criteria: ACMG Guidelines, 2015. Collection method: clinical testing. Allele origin: germline.
Comment: The CFAP418 c.203A>G variant is predicted to result in the amino acid substitution p.Asn68Ser. To our knowledge, this variant has not been reported in the literature. This variant is reported in 0.0016% of alleles in individuals of European (Non-Finnish) descent in gnomAD. At this time, the clinical significance of this variant is uncertain due to the absence of conclusive functional and genetic evidence.

NM_177965.4(CFAP418):c.203A>G (p.Asn68Ser)

Gene: CFAP418 (cilia and flagella associated protein 418; minus strand). Cytogenetic location: 8q22.1.
Variant type: single nucleotide variant.
Coding change: c.203A>G on transcript NM_177965.4 (MANE Select); coding-DNA position 203, A replaced by G.
Protein change: p.Asn68Ser; replaces asparagine 68 with serine.
Molecular consequence: missense variant.
Genome position (GRCh38, 1-based): chr8:95,263,727, T>C on the plus strand (A>G on the coding strand, the complement: CFAP418 is on the minus strand). VCF-style: chr8-95263727-T-C. GRCh37 (hg19) VCF-style: chr8-96275955-T-C.
Other names: c.203A>G, p.Asn68Ser (NM_001363260.1); short protein forms N68S.
Identifiers: ClinVar variation 4978234 (VCV004978234.1).
Genomic context (GRCh38, chr8:95,263,727, plus strand): 5'-ATTTATAACACTTGACTTACAGAGGGTTTTTTGTCCAAGTTGGGCTCTTCAAGTATTTCA[T>C]TAATAAGACTGTCAAGATCATCTTCTTTTTTAAATGTTTCTGTTGATCTGAAAAGAAGAC-3'
Protein context (NP_808880.1, residues 58-78): KKEDDLDSLI[Asn68Ser]EILEEPNLDK